The following is an entry in ClinVar:

NM_003719.5(PDE8B):c.1622A>G (p.Asn541Ser)

Gene: PDE8B (phosphodiesterase 8B; plus strand). Cytogenetic location: 5q13.3.
Variant type: single nucleotide variant.
Coding change: c.1622A>G on transcript NM_003719.5 (MANE Select); coding-DNA position 1622, A replaced by G.
Protein change: p.Asn541Ser; replaces asparagine 541 with serine.
Molecular consequence: missense variant.
Genome position (GRCh38, 1-based): chr5:77,412,145, A>G. VCF-style: chr5-77412145-A-G. GRCh37 (hg19) VCF-style: chr5-76707970-A-G.
Other names: c.1250A>G, p.Asn417Ser (NM_001414622.1, NM_001414623.1, NM_001349753.2 and 2 more transcripts); c.1331A>G, p.Asn444Ser (NM_001029851.4); c.1457A>G, p.Asn486Ser (NM_001029852.4); c.1562A>G, p.Asn521Ser (NM_001029853.4); c.1481A>G, p.Asn494Ser (NM_001029854.4); c.1619A>G, p.Asn540Ser (NM_001349748.3, NM_001349751.3); c.1685A>G, p.Asn562Ser (NM_001349749.3); c.1382A>G, p.Asn461Ser (NM_001349750.3); and 12 more; short protein forms N343S, N392S, N393S, N486S, N323S, N413S, N420S, N444S.
Identifiers: ClinVar variation 2971968 (VCV002971968.3), dbSNP rs753339674, ClinGen allele CA3315320.
Genomic context (GRCh38, chr5:77,412,145, plus strand): 5'-CATCTGTTTGCTCAGATGTGCACCAGAGTCACAGTCACCTTGCAATGCCAATAACCATCA[A>G]TGATGTTCCCCCTTGTATCTCTCAATTACTTGATAATGAGGAGAGTTGGGACTTCAACAT-3'
Protein context (NP_003710.1, residues 531-551): HSHLAMPITI[Asn541Ser]DVPPCISQLL

ClinVar aggregate classification (germline): Uncertain significance (1 of 4 stars; one submission).

Allele frequency attached by ClinVar (database versions not stated): gnomAD exomes below 0.00001; TOPMed below 0.00001; ExAC 0.00002.
gnomAD v4.1: 5 of 1,613,958 alleles (0.00031%); highest among the groups gnomAD compares: Admixed American, 0.0033%; no homozygotes.

Submission:

Labcorp Genetics (formerly Invitae), Labcorp
Classification: Uncertain significance. Last evaluated: 2023-08-16. Review status: criteria provided, single submitter. Criteria: Invitae Variant Classification Sherloc (09022015). Collection method: clinical testing. Allele origin: germline.
Comment: This variant is present in population databases (rs753339674, gnomAD 0.009%). This sequence change replaces asparagine, which is neutral and polar, with serine, which is neutral and polar, at codon 541 of the PDE8B protein (p.Asn541Ser). In summary, the available evidence is currently insufficient to determine the role of this variant in disease. Therefore, it has been classified as a Variant of Uncertain Significance. Algorithms developed to predict the effect of missense changes on protein structure and function output the following: SIFT: "Not Available"; PolyPhen-2: "Benign"; Align-GVGD: "Not Available". The serine amino acid residue is found in multiple mammalian species, which suggests that this missense change does not adversely affect protein function. This variant has not been reported in the literature in individuals affected with PDE8B-related conditions.